The following is an entry in ClinVar:

NM_002439.5(MSH3):c.2141del (p.Lys714fs)

Gene: MSH3 (mutS homolog 3; plus strand). Cytogenetic location: 5q14.1.
Variant type: Deletion.
Coding change: c.2141del on transcript NM_002439.5 (MANE Select); coding-DNA position 2141, one base deleted (A; older notation c.2141delA).
Protein change: p.Lys714fs; shifts the reading frame from lysine 714.
Molecular consequence: frameshift variant.
Genome position (GRCh38, 1-based): chr5:80,768,891, A deleted; the last of 6 consecutive A bases (chr5:80,768,886-80,768,891); deleting any one gives the same sequence. VCF-style (leftmost placement, unchanged base first): chr5-80768885-TA-T. GRCh37 (hg19) VCF-style: chr5-80064704-TA-T.
Other names: short protein forms K714fs.
Identifiers: ClinVar variation 2673509 (VCV002673509.1), dbSNP rs751236312, ClinGen allele CA2695198674.

ClinVar aggregate classification (germline): Pathogenic (1 of 4 stars; one submission).

Conditions:
Familial adenomatous polyposis 4 (FAP4). Also called: MSH3-related attenuated familial adenomatous polyposis. Identifiers: Orphanet 480536, MedGen C4310719, MONDO:0044300, OMIM 617100.

Submission:

Myriad Genetics, Inc.
Classification: Pathogenic for Familial adenomatous polyposis 4. Last evaluated: 2023-08-30. Review status: criteria provided, single submitter. Criteria: Myriad Autosomal Dominant, Autosomal Recessive and X-Linked Classification Criteria (2023). Collection method: clinical testing. Allele origin: unknown.
Comment: This variant is considered pathogenic. This variant creates a frameshift predicted to result in premature protein truncation.